The following is an entry in ClinVar:

ClinVar aggregate classification (germline): Uncertain significance (1 of 4 stars; one submission).

Conditions:
Hereditary cancer-predisposing syndrome. Also called: Neoplastic Syndromes, Hereditary; Tumor predisposition; Hereditary Cancer Syndrome; Hereditary neoplastic syndrome. Identifiers: Orphanet 140162, MedGen C0027672, MeSH D009386, MONDO:0015356.

Submission:

Ambry Genetics
Classification: Uncertain significance for Hereditary cancer-predisposing syndrome. Last evaluated: 2019-02-18. Review status: criteria provided, single submitter. Criteria: Ambry Variant Classification Scheme 2023. Collection method: clinical testing. Allele origin: germline.
Comment: The p.R8S variant (also known as c.24G>T), located in coding exon 1 of the BRCA2 gene, results from a G to T substitution at nucleotide position 24. The arginine at codon 8 is replaced by serine, an amino acid with dissimilar properties. This amino acid position is highly conserved in available vertebrate species. In addition, this alteration is predicted to be tolerated by in silico analysis. Since supporting evidence is limited at this time, the clinical significance of this alteration remains unclear.

NM_000059.4(BRCA2):c.24G>T (p.Arg8Ser)

Gene: BRCA2 (BRCA2 DNA repair associated; plus strand). Cytogenetic location: 13q13.1.
Variant type: single nucleotide variant.
Coding change: c.24G>T on transcript NM_000059.4 (MANE Select); coding-DNA position 24, G replaced by T.
Protein change: p.Arg8Ser; replaces arginine 8 with serine.
Molecular consequence: missense variant.
Genome position (GRCh38, 1-based): chr13:32,316,484, G>T. VCF-style: chr13-32316484-G-T. GRCh37 (hg19) VCF-style: chr13-32890621-G-T.
Other names: short protein forms R8S.
Identifiers: ClinVar variation 821375 (VCV000821375.4), dbSNP rs1060504600, ClinGen allele CA387752969.